The following is an entry in ClinVar:

ClinVar aggregate classification (germline): Uncertain significance (1 of 4 stars; one submission).

Conditions:
Developmental and epileptic encephalopathy, 27 (DEE27). Also called: GRIN2B-Related Neurodevelopmental Disorder; Epileptic encephalopathy, early infantile, 27. Identifiers: Orphanet 3451, MedGen C4015316, MONDO:0014505, OMIM 616139.
Intellectual developmental disorder, autosomal dominant 6, with or without seizures. Also called: Intellectual disability, autosomal dominant 6; GRIN2B-related developmental delay, intellectual disability and autism spectrum disorder. Identifiers: Orphanet 589547, MedGen C3151411, MONDO:0013509, OMIM 613970.

Allele frequency attached by ClinVar (database versions not stated): TOPMed below 0.00001; ExAC 0.00001; gnomAD 0.00001; 1000 Genomes Project 30x 0.00016.
gnomAD v4.1: 2 of 1,613,758 alleles (0.00012%); highest among the groups gnomAD compares: Admixed American, 0.0017%; no homozygotes.

Submission:

Labcorp Genetics (formerly Invitae), Labcorp
Classification: Uncertain significance for Developmental and epileptic encephalopathy, 27; Intellectual developmental disorder, autosomal dominant 6, with or without seizures. Last evaluated: 2022-11-22. Review status: criteria provided, single submitter. Criteria: Invitae Variant Classification Sherloc (09022015). Collection method: clinical testing. Allele origin: germline.
Comment: This sequence change replaces alanine, which is neutral and non-polar, with valine, which is neutral and non-polar, at codon 827 of the GRIN2B protein (p.Ala827Val). Advanced modeling of protein sequence and biophysical properties (such as structural, functional, and spatial information, amino acid conservation, physicochemical variation, residue mobility, and thermodynamic stability) performed at Invitae indicates that this missense variant is not expected to disrupt GRIN2B protein function. In summary, the available evidence is currently insufficient to determine the role of this variant in disease. Therefore, it has been classified as a Variant of Uncertain Significance. This variant has not been reported in the literature in individuals affected with GRIN2B-related conditions. This variant is not present in population databases (gnomAD no frequency).

NM_000834.5(GRIN2B):c.2480C>T (p.Ala827Val)

Gene: GRIN2B (glutamate ionotropic receptor NMDA type subunit 2B; minus strand). Cytogenetic location: 12p13.1.
Variant type: single nucleotide variant.
Coding change: c.2480C>T on transcript NM_000834.5 (MANE Select); coding-DNA position 2480, C replaced by T.
Protein change: p.Ala827Val; replaces alanine 827 with valine.
Molecular consequence: missense variant.
Genome position (GRCh38, 1-based): chr12:13,567,143, G>A on the plus strand (C>T on the coding strand, the complement: GRIN2B is on the minus strand). VCF-style: chr12-13567143-G-A. GRCh37 (hg19) VCF-style: chr12-13720077-G-A.
Other names: c.2480C>T, p.Ala827Val (NM_001413992.1); short protein forms A827V.
Identifiers: ClinVar variation 2086586 (VCV002086586.4), dbSNP rs748075089, ClinGen allele CA6461049.